The following is an entry in ClinVar:

ClinVar aggregate classification (germline): Uncertain significance. Review status: criteria provided, multiple submitters, no conflicts (2 of 4 stars). 4 submissions from 4 submitters: Uncertain significance (4). Last evaluated 2025-08-31.

Conditions:
Heterotopia, periventricular, X-linked dominant (PVNH1). Also called: PERIVENTRICULAR NODULAR HETEROTOPIA 1; X-linked periventricular heterotopia; PERIVENTRICULAR NODULAR HETEROTOPIA 4; HETEROTOPIA, PERIVENTRICULAR, 1. Identifiers: Orphanet 2149, Orphanet 82004, MedGen C1848213, MONDO:0010233, OMIM 300049.
Oto-palato-digital syndrome, type II (OPD2). Also called: OPD II SYNDROME; Otopalatodigital Syndrome, Type II; Otopalatodigital Syndrome Type 2 (FLNA-OPD2); FACIOPALATOOSSEOUS SYNDROME. Identifiers: Orphanet 669, Orphanet 90652, MedGen C1844696, MONDO:0010571, OMIM 304120.
Melnick-Needles syndrome (MNS). Also called: MELNICK-NEEDLES OSTEODYSPLASTY; OSTEODYSPLASTY OF MELNICK AND NEEDLES; Melnick-Needles Syndrome (FLNA-MNS). Identifiers: Orphanet 2484, MedGen C0025237, MONDO:0010650, OMIM 309350.
Frontometaphyseal dysplasia (FMD1). Identifiers: Orphanet 1826, MedGen C0265293, MONDO:0015942.
Cardiac valvular dysplasia, X-linked (CVDPX). Also called: MYXOMATOUS VALVULAR DYSTROPHY, X-LINKED; VALVULAR HEART DISEASE, CONGENITAL; Isolated X-Linked Cardiac Valvular Dysplasia; FLNA-Related X-linked Cardiac Valvular Dysplasia; Congenital valvular dysplasia. Identifiers: Orphanet 1864, Orphanet 555877, Orphanet 75497, MedGen C0262436, MONDO:0010753, OMIM 314400.

Allele frequency attached by ClinVar (database versions not stated): gnomAD exomes 0.00002; TOPMed below 0.00001.
gnomAD v4.1: 21 of 1,211,375 alleles (0.0017%); highest among the groups gnomAD compares: Non-Finnish European, 0.0023%; no homozygotes.

Submissions (4):

Labcorp Genetics (formerly Invitae), Labcorp
Classification: Uncertain significance for Oto-palato-digital syndrome, type II; Heterotopia, periventricular, X-linked dominant; Frontometaphyseal dysplasia; Melnick-Needles syndrome. Last evaluated: 2025-08-31. Review status: criteria provided, single submitter. Criteria: Invitae Variant Classification Sherloc (09022015). Collection method: clinical testing. Allele origin: germline.
Comment: This sequence change replaces arginine, which is basic and polar, with glutamine, which is neutral and polar, at codon 226 of the FLNA protein (p.Arg226Gln). This variant is not present in population databases (gnomAD no frequency). This variant has not been reported in the literature in individuals affected with FLNA-related conditions. ClinVar contains an entry for this variant (Variation ID: 1315272). Invitae Evidence Modeling of protein sequence and biophysical properties (such as structural, functional, and spatial information, amino acid conservation, physicochemical variation, residue mobility, and thermodynamic stability) indicates that this missense variant is not expected to disrupt FLNA protein function with a negative predictive value of 95%. In summary, the available evidence is currently insufficient to determine the role of this variant in disease. Therefore, it has been classified as a Variant of Uncertain Significance.

GeneDx
Classification: Uncertain significance. Last evaluated: 2023-11-07. Review status: criteria provided, single submitter. Criteria: GeneDx Variant Classification Process June 2021. Collection method: clinical testing. Allele origin: germline. Affected: yes.
Comment: Not observed in large population cohorts (gnomAD); In silico analysis supports that this missense variant does not alter protein structure/function; Has not been previously published as pathogenic or benign to our knowledge

ARUP Laboratories, Molecular Genetics and Genomics, ARUP Laboratories
Classification: Uncertain significance. Last evaluated: 2022-05-06. Review status: criteria provided, single submitter. Criteria: ARUP Molecular Germline Variant Investigation Process 2021. Collection method: clinical testing. Allele origin: germline.
Comment: The FLNA c.677G>A; p.Arg226Gln variant (rs2067772868), to our knowledge, is not reported in the medical literature but is reported in ClinVar (Variation ID: 1315272). This variant is absent from the Genome Aggregation Database, indicating it is not a common polymorphism. The arginine at codon 226 is highly conserved, but computational analyses are uncertain whether this variant is neutral or deleterious (REVEL: 0.655). Due to limited information, the clinical significance of this variant is uncertain at this time.

Neuberg Centre For Genomic Medicine, NCGM
Classification: Uncertain significance for Cardiac valvular dysplasia, X-linked. Review status: criteria provided, single submitter. Criteria: ACMG Guidelines, 2015. Collection method: clinical testing. Allele origin: germline. Inheritance: X-linked inheritance. Affected: yes.
Comment: The observed missense variant c.677G>A(p.Arg226Gln) in the FLNA gene has not been reported previously as a pathogenic variant nor as a benign variant, to our knowledge. This variant has been reported to the ClinVar database as Uncertain Significance. However, no details are available for independent assessment. This variant is absent in the gnomAD Exomes. The amino acid Arg at position 226 is changed to a Gln changing protein sequence and it might alter its composition and physico-chemical properties. Multiple lines of computational evidence (Polyphen - Possibly Damaging, SIFT - Damaging and MutationTaster - Disease causing) predict a damaging effect on protein structure and function for this variant. The residue is conserved by GERP++ and PhyloP across 100 vertebrates. For these reasons, this variant has been classified as Uncertain Significance.

NM_001110556.2(FLNA):c.677G>A (p.Arg226Gln)

Gene: FLNA (filamin A; minus strand). Cytogenetic location: Xq28.
Variant type: single nucleotide variant.
Coding change: c.677G>A on transcript NM_001110556.2 (MANE Select); coding-DNA position 677, G replaced by A.
Protein change: p.Arg226Gln; replaces arginine 226 with glutamine.
Molecular consequence: missense variant.
Genome position (GRCh38, 1-based): chrX:154,367,684, C>T on the plus strand (G>A on the coding strand, the complement: FLNA is on the minus strand). VCF-style: chrX-154367684-C-T. GRCh37 (hg19) VCF-style: chrX-153596052-C-T.
Other names: c.677G>A, p.Arg226Gln (NM_001456.4); short protein forms R226Q.
Identifiers: ClinVar variation 1315272 (VCV001315272.10), dbSNP rs2067772868, ClinGen allele CA415248830.